The following is an entry in ClinVar:

ClinVar aggregate classification (germline): Uncertain significance (1 of 4 stars; one submission).

Submission:

GeneDx
Classification: Uncertain significance. Last evaluated: 2023-12-29. Review status: criteria provided, single submitter. Criteria: GeneDx Variant Classification Process June 2021. Collection method: clinical testing. Allele origin: germline. Affected: yes.
Comment: In silico analysis supports that this missense variant does not alter protein structure/function; Has not been previously published as pathogenic or benign to our knowledge

NM_139319.3(SLC17A8):c.888C>A (p.Asn296Lys)

Gene: SLC17A8 (solute carrier family 17 member 8; plus strand). Cytogenetic location: 12q23.1.
Variant type: single nucleotide variant.
Coding change: c.888C>A on transcript NM_139319.3 (MANE Select); coding-DNA position 888, C replaced by A.
Protein change: p.Asn296Lys; replaces asparagine 296 with lysine.
Molecular consequence: missense variant.
Genome position (GRCh38, 1-based): chr12:100,402,464, C>A. VCF-style: chr12-100402464-C-A. GRCh37 (hg19) VCF-style: chr12-100796242-C-A.
Other names: c.888C>A, p.Asn296Lys (NM_001145288.2); short protein forms N296K.
Identifiers: ClinVar variation 3370037 (VCV003370037.1).